The following is an entry in ClinVar:

ClinVar aggregate classification (germline): Uncertain significance (1 of 4 stars; one submission).

Submission:

Ambry Genetics
Classification: Uncertain significance. Last evaluated: 2026-03-29. Review status: criteria provided, single submitter. Criteria: Ambry Variant Classification Scheme 2023. Collection method: clinical testing. Allele origin: germline.
Comment: The p.T938N variant (also known as c.2813C>A), located in coding exon 11 of the WNK2 gene, results from a C to A substitution at nucleotide position 2813. The threonine at codon 938 is replaced by asparagine, an amino acid with similar properties. This amino acid position is conserved. In addition, this alteration is predicted to be tolerated by in silico analysis. Based on the available evidence, the clinical significance of this variant remains unclear.

NM_006648.4(WNK2):c.2813C>A (p.Thr938Asn)

Gene: WNK2 (WNK lysine deficient protein kinase 2; plus strand). Cytogenetic location: 9q22.31.
Variant type: single nucleotide variant.
Coding change: c.2813C>A on transcript NM_006648.4 (MANE Select); coding-DNA position 2813, C replaced by A.
Protein change: p.Thr938Asn; replaces threonine 938 with asparagine.
Molecular consequence: missense variant.
Genome position (GRCh38, 1-based): chr9:93,259,361, C>A. VCF-style: chr9-93259361-C-A. GRCh37 (hg19) VCF-style: chr9-96021643-C-A.
Other names: c.2813C>A, p.Thr938Asn (NM_001282394.3); short protein forms T938N.
Identifiers: ClinVar variation 4866546 (VCV004866546.1).